The following is an entry in ClinVar:

ClinVar aggregate classification (germline): Uncertain significance (1 of 4 stars; one submission).

Conditions:
Progressive myoclonic epilepsy. Also called: Myoclonic Epilepsies, Progressive; Familial progressive myoclonic epilepsy; Myoclonus epilepsy; Progressive myoclonus epilepsy. Identifiers: Orphanet 308, Orphanet 98261, MedGen C0751778, MONDO:0020074.

Allele frequency attached by ClinVar (database versions not stated): gnomAD exomes below 0.00001.
gnomAD v4.1: 1 of 1,614,086 alleles (0.000062%); highest among the groups gnomAD compares: Non-Finnish European, 0.000085%; no homozygotes.

Submission:

Labcorp Genetics (formerly Invitae), Labcorp
Classification: Uncertain significance for Progressive myoclonic epilepsy. Last evaluated: 2022-07-14. Review status: criteria provided, single submitter. Criteria: Invitae Variant Classification Sherloc (09022015). Collection method: clinical testing. Allele origin: germline.
Comment: This sequence change replaces arginine, which is basic and polar, with serine, which is neutral and polar, at codon 77 of the SCARB2 protein (p.Arg77Ser). This variant is not present in population databases (gnomAD no frequency). This variant has not been reported in the literature in individuals affected with SCARB2-related conditions. Algorithms developed to predict the effect of missense changes on protein structure and function (SIFT, PolyPhen-2, Align-GVGD) all suggest that this variant is likely to be tolerated. In summary, the available evidence is currently insufficient to determine the role of this variant in disease. Therefore, it has been classified as a Variant of Uncertain Significance.

NM_005506.4(SCARB2):c.231A>T (p.Arg77Ser)

Gene: SCARB2 (scavenger receptor class B member 2; minus strand). Cytogenetic location: 4q21.1.
Variant type: single nucleotide variant.
Coding change: c.231A>T on transcript NM_005506.4 (MANE Select); coding-DNA position 231, A replaced by T.
Protein change: p.Arg77Ser; replaces arginine 77 with serine.
Molecular consequence: missense variant.
Genome position (GRCh38, 1-based): chr4:76,195,751, T>A on the plus strand (A>T on the coding strand, the complement: SCARB2 is on the minus strand). VCF-style: chr4-76195751-T-A. GRCh37 (hg19) VCF-style: chr4-77116904-T-A.
Other names: c.231A>T, p.Arg77Ser (NM_001204255.2); short protein forms R77S.
Identifiers: ClinVar variation 2178781 (VCV002178781.4), dbSNP rs2476284346, ClinGen allele CA357327516.